The following is an entry in ClinVar:

NM_000132.4(F8):c.1094A>G (p.Tyr365Cys)

Gene: F8 (coagulation factor VIII; minus strand). Cytogenetic location: Xq28.
Variant type: single nucleotide variant.
Coding change: c.1094A>G on transcript NM_000132.4 (MANE Select); coding-DNA position 1094, A replaced by G.
Protein change: p.Tyr365Cys; replaces tyrosine 365 with cysteine.
Molecular consequence: missense variant.
Genome position (GRCh38, 1-based): chrX:154,966,603, T>C on the plus strand (A>G on the coding strand, the complement: F8 is on the minus strand). VCF-style: chrX-154966603-T-C. GRCh37 (hg19) VCF-style: chrX-154194878-T-C.
Other names: NM_000132.3(F8):c.1094A>G; short protein forms Y365C.
Identifiers: ClinVar variation 618104 (VCV000618104.35), dbSNP rs375241473, ClinGen allele CA10568501.

ClinVar aggregate classification (germline): Pathogenic. Review status: reviewed by expert panel (3 of 4 stars). 14 submissions from 14 submitters: Pathogenic (1). 13 of the submissions do not count toward it. Last evaluated 2024-02-02.

Conditions:
Hereditary factor VIII deficiency disease (HEMA). Also called: Hemophilia A; Hemophilia A, congenital; HEM A; Factor 8 deficiency, congenital; AUTOSOMAL HEMOPHILIA A; HEMOPHILIA, CLASSIC. Identifiers: Orphanet 98878, MedGen C0019069, MONDO:0010602, OMIM 306700.
F8-related disorders.
Factor VIII deficiency. Identifiers: MedGen C3494187, OMIM 134500.
F8-related disorder. Also called: F8-related condition.
Hereditary factor IX deficiency disease (HEMB). Also called: PLASMA THROMBOPLASTIN COMPONENT DEFICIENCY; Hemophilia B; Christmas Disease; F9 DEFICIENCY; FACTOR IX DEFICIENCY. Identifiers: Orphanet 98879, MedGen C0008533, MeSH D002836, MONDO:0010604, OMIM 306900.

Allele frequency attached by ClinVar (database versions not stated): gnomAD 0.00006 and 0.00007; ExAC 0.00007; gnomAD exomes 0.00007 and 0.00026; ESP Exome Variant Server 0.00009; TOPMed 0.00014.
gnomAD v4.1: 291 of 1,209,251 alleles (0.024%); highest among the groups gnomAD compares: Non-Finnish European, 0.031%; no homozygotes.

Submissions 1 to 6 of 14:

ClinGen Coagulation Factor Deficiency Variant Curation Expert Panel, Clingen
Classification: Pathogenic for Hereditary factor VIII deficiency disease. Last evaluated: 2024-02-02. Review status: reviewed by expert panel. Criteria: ClinGen CoagFactor ACMG Specifications F8 V1.0.0. Collection method: curation. Allele origin: germline. Inheritance: X-linked inheritance.
Comment: The NM_000132.3(F8):c.1094A>G variant predicts a missense change, Tyr365Cys, in the a1 interdomain of FVIII protein, reported to impair activation and deactivation of the protein meeting PM1 criteria (PMID: 12139751). This variant does not meet the rarity population criteria. It is reported in multiple individuals (>32) in the literature (PMID: 29296726, PMID: 12139751, PMID: 21645180, PMID: 17445092, PMID: 21751985, PMID: 18691168, PMID: 18034822, PMID: 19456877, PMID: 15810915, PMID: 11857744). Of note, this variant is associated with discrepant factor VIII activity levels between the one-stage and two-stage, or chromogenic, assay, and individuals with factor VIII levels measured on a two-stage assay may be within the normal range (EAHAD/CDC Champs databases). Additionally, individuals with this variant may have a mild to no bleeding history. The variant has a REVEL score of 0.756 (threshold >0.6) meeting PP3 criteria. In summary, the variant meets criteria to be classified as pathogenic causing decreased factor VIII activity levels, but may have a lower penetrant bleeding phenotype. ACMG/AMP criteria applied, as specified by the Coagulation Factor Deficiency Expert Panel for F8: PS4_Very Strong, PM1, PP4_Moderate, PP3.

Myriad Genetics, Inc.
Classification: Pathogenic for Hereditary factor VIII deficiency disease. Last evaluated: 2026-07-17. Review status: criteria provided, single submitter. Criteria: Myriad Autosomal Dominant, Autosomal Recessive and X-Linked Classification Criteria (2023). Collection method: clinical testing. Allele origin: unknown. Not counted in ClinVar's aggregate classification.
Comment: NM_000132.3(F8):c.1094A>G(Y365C) is a missense variant classified as pathogenic in the context of hemophilia A. Y365C has been observed in cases with relevant disease (PMID: 15810915, 11857744, 31064749, 29296726, 19456877). Relevant functional assessments of this variant are not available in the literature. Y365C has been observed in referenced population frequency databases. In summary, NM_000132.3(F8):c.1094A>G(Y365C) is a missense variant that has been observed more frequently in cases with the relevant disease than in healthy populations. Please note: this variant was assessed in the context of healthy population screening.

North West Genomic Laboratory Hub, Manchester University NHS Foundation Trust
Classification: Likely pathogenic for Factor VIII deficiency. Last evaluated: 2026-01-13. Review status: criteria provided, single submitter. Criteria: ACGS Best Practice Guidelines for Variant Classification in Rare Disease 2024. Collection method: clinical testing. Allele origin: germline. Affected: yes. Not counted in ClinVar's aggregate classification.
Comment: PS4_Mod PM5_Mod PP3_Supp PP4_Mod

Victorian Clinical Genetics Services, Murdoch Childrens Research Institute
Classification: Pathogenic for Hereditary factor VIII deficiency disease. Last evaluated: 2025-09-30. Review status: criteria provided, single submitter. Criteria: ACMG Guidelines, 2015. Collection method: clinical testing. Allele origin: germline. Affected: yes. Not counted in ClinVar's aggregate classification.
Comment: This variant is classified as Pathogenic. Evidence in support of pathogenic classification: Variant is present in gnomAD <0.01 for a recessive condition (v4: 202 heterozygote(s), 0 homozygote(s), 89 hemizygote(s)); This variant has strong previous evidence of pathogenicity in unrelated individuals. It has been classified as pathogenic by the ClinGen Coagulation Factor Deficiency Variant Curation Expert Panel (ClinVar). It has been reported in many individuals with and without mild haemophilia A, and individuals with this variant may have a mild to no bleeding history (ClinGen; PMIDs: 12139751, 18034822, 18691168, 21751985, 23812942); Variant is located in the well-established functional interdomain acidic region a1. This region mediates proteolytic activation and degradation of F8 and may promote stability of the active heterotrimer against non-proteolytic dissociation. (PMID: 12139751) - Missense variant predicted to be damaging by in silico tool(s) or highly conserved with a major amino acid change. Additional information: Variant is predicted to result in a missense amino acid change from Tyr to Cys; This variant is hemizygous; This gene is associated with both recessive and dominant disease. X-linked recessive inheritance is associated with haemophilia A (MIM#306700), whereas thrombophilia 13, X-linked, due to factor VIII defect (MIM#301071) has been reported with X-linked dominant inheritance (OMIM, PMID: 33275657); Alternative amino acid change(s) at the same position are present in gnomAD (highest allele count: v4: 14 heterozygote(s), 0 homozygote(s), 3 hemizygote(s)); Loss of function and gain of function are known mechanisms of disease in this gene. Loss of function is associated with haemophilia A (MIM#306700), whereas gain of function due to copy number variations is associated with thrombophilia 13, X-linked, due to factor VIII defect (MIM#301071) (PMIDs: 23403259, 33275657).

Variantyx, Inc.
Classification: Pathogenic for Hereditary factor VIII deficiency disease. Last evaluated: 2025-08-27. Review status: criteria provided, single submitter. Criteria: Variantyx Assertion Criteria 2022. Collection method: clinical testing. Allele origin: maternal. Inheritance: X-linked recessive inheritance. Not counted in ClinVar's aggregate classification.
Comment: This is a nonsynonymous variant in the F8 gene (OMIM: 300841). Pathogenic variants in this gene have been associated with X-linked hemophilia A. This variant has been reported in many unrelated affected individuals (PMID: 19473423, 23812942, 12139751, 21645180, 17445092, 21751985, 18691168, 18034822, 19456877) (PS4_Very_Strong), and has a 0.0312% maximum allele frequency in non-founder control populations. This variant lies within a well-established critical functional domain of the F8 protein (PMID: 12139751) (PM1), and multiple computational algorithms predict a deleterious effect (REVEL score: 0.756) (PP3). Based on the current evidence, this variant is classified as pathogenic for X-linked hemophilia A.

Women's Health and Genetics/Laboratory Corporation of America, LabCorp
Classification: Uncertain significance. Last evaluated: 2025-08-18. Review status: criteria provided, single submitter. Criteria: LabCorp Variant Classification Summary - May 2015. Collection method: clinical testing. Allele origin: germline. Not counted in ClinVar's aggregate classification.
Comment: Variant summary: F8 c.1094A>G (p.Tyr365Cys) results in a non-conservative amino acid change in the encoded protein sequence. Algorithms developed to predict the effect of missense changes on protein structure and function are either unavailable or do not agree on the potential impact of this missense change. The variant allele was found at a frequency of 6.5e-05 in 183378 control chromosomes, predominantly at a frequency of 0.00015 within the Non-Finnish European subpopulation in the gnomAD database. This frequency is not significantly higher than estimated for a pathogenic variant in F8 causing Factor VIII Deficiency (Hemophilia A) (6.5e-05 vs 0.0098), allowing no conclusion about variant significance. c.1094A>G has been reported in the literature in multiple individuals affected with mild Factor VIII Deficiency (Hemophilia A), individuals with prolonged PTT and reduced factor VIII activity but minimal or absent bleeding symptoms, individuals with unspecified conditions of coagulation (examples, Bowyer_2011, Cutler_2002, Downes_2019, Hill_2005, Kentsis_2009, SilvaPinto_2012). Most often, those individuals were reported to have reduced one-stage FVIII:C values but normal two-stage FVIII:C or FVIII:Ag values (Bowyer_2011, Hill_2005). These report(s) do not provide unequivocal conclusions about association of the variant with Factor VIII Deficiency (Hemophilia A). Co-occurrences with other pathogenic variant(s) have been reported in an individual with severe Hemophilia A (F8 c.3870delA, p.Glu1292Argfs*16) and the carrier mom was unaffected, providing supporting evidence for a benign role (Kentsis_2009). To our knowledge, no experimental evidence demonstrating an impact on protein function has been reported. The following publications have been ascertained in the context of this evaluation (PMID: 21751985, 11857744, 31064749, 15810915, 19456877, 21645180, 37647632). ClinVar contains an entry for this variant (Variation ID: 618104). Based on the evidence outlined above, the variant was classified as uncertain significance.